The following is an entry in ClinVar:

ClinVar aggregate classification (germline): Uncertain significance. Review status: criteria provided, multiple submitters, no conflicts (2 of 4 stars). 2 submissions from 2 submitters: Uncertain significance (2). Last evaluated 2025-11-23.

Conditions:
Inborn genetic diseases. Identifiers: MedGen C0950123, MeSH D030342.

Allele frequency attached by ClinVar (database versions not stated): gnomAD exomes below 0.00001; TOPMed below 0.00001; ExAC 0.00001; gnomAD 0.00001.
gnomAD v4.1: 7 of 1,609,034 alleles (0.00044%); highest among the groups gnomAD compares: East Asian, 0.0045%; no homozygotes.

Submissions (2):

Labcorp Genetics (formerly Invitae), Labcorp
Classification: Uncertain significance. Last evaluated: 2025-11-23. Review status: criteria provided, single submitter. Criteria: Invitae Variant Classification Sherloc (09022015). Collection method: clinical testing. Allele origin: germline.
Comment: This sequence change replaces lysine, which is basic and polar, with asparagine, which is neutral and polar, at codon 1211 of the PCLO protein (p.Lys1211Asn). This variant is present in population databases (rs369401562, gnomAD 0.006%). This variant has not been reported in the literature in individuals affected with PCLO-related conditions. ClinVar contains an entry for this variant (Variation ID: 2147747). Experimental studies and prediction algorithms are not available or were not evaluated, and the functional significance of this variant is currently unknown. In summary, the available evidence is currently insufficient to determine the role of this variant in disease. Therefore, it has been classified as a Variant of Uncertain Significance.

Ambry Genetics
Classification: Uncertain significance for Inborn genetic diseases. Last evaluated: 2024-12-29. Review status: criteria provided, single submitter. Criteria: Ambry Variant Classification Scheme 2023. Collection method: clinical testing. Allele origin: germline.

NM_033026.6(PCLO):c.3633A>T (p.Lys1211Asn)

Gene: PCLO (piccolo presynaptic cytomatrix protein; minus strand). Cytogenetic location: 7q21.11.
Variant type: single nucleotide variant.
Coding change: c.3633A>T on transcript NM_033026.6 (MANE Select); coding-DNA position 3633, A replaced by T.
Protein change: p.Lys1211Asn; replaces lysine 1211 with asparagine.
Molecular consequence: missense variant.
Genome position (GRCh38, 1-based): chr7:82,966,155, T>A on the plus strand (A>T on the coding strand, the complement: PCLO is on the minus strand). VCF-style: chr7-82966155-T-A. GRCh37 (hg19) VCF-style: chr7-82595471-T-A.
Other names: c.3633A>T, p.Lys1211Asn (NM_014510.3); c.3633A>T (NM_033026.5); short protein forms K1211N.
Identifiers: ClinVar variation 2147747 (VCV002147747.5), dbSNP rs369401562, ClinGen allele CA4321001.